The following is an entry in ClinVar:

NM_005477.3(HCN4):c.3385_3402del (p.Ser1129_Gly1134del)

Gene: HCN4 (hyperpolarization activated cyclic nucleotide gated potassium channel 4; minus strand). Cytogenetic location: 15q24.1.
Variant type: Deletion.
Coding change: c.3385_3402del on transcript NM_005477.3 (MANE Select); coding-DNA positions 3385 to 3402, 18 bases deleted (AGTGGGAGCAGCGGGGGC).
Protein change: p.Ser1129_Gly1134del.
Molecular consequence: inframe deletion.
Genome position (GRCh38, 1-based): chr15:73,322,691-73,322,708, GCCCCCGCTGCTCCCACT deleted on the plus strand (AGTGGGAGCAGCGGGGGC on the coding strand, the reverse complement: HCN4 is on the minus strand); deleting any 18 consecutive bases within chr15:73,322,691-73,322,719 gives the same sequence; the c. name uses the placement nearest the transcript's 3' end. VCF-style (leftmost placement, unchanged base first): chr15-73322690-GGCCCCCGCTGCTCCCACT-G. GRCh37 (hg19) VCF-style: chr15-73615031-GGCCCCCGCTGCTCCCACT-G.
Identifiers: ClinVar variation 1373695 (VCV001373695.7), dbSNP rs772582176, ClinGen allele CA7648832.
Genomic context (GRCh38, chr15:73,322,690, plus strand): 5'-TCCGAGGCAGAGTGACGTGCTGGCCGGGGATGGCACCATAGGGCCTCCCAGGGGGACCGA[GGCCCCCGCTGCTCCCACT>G]GCCCCCGCTGCCACCCCCAGCCCTGGGGAAGAGCGGGAAGGCAGCCATGGACTCCCCTGA-3'

ClinVar aggregate classification (germline): Uncertain significance (1 of 4 stars; one submission).

Conditions:
Brugada syndrome 8 (BRGDA8). Identifiers: Orphanet 130, MedGen C2751083, MONDO:0013148, OMIM 613123.

Submission:

Labcorp Genetics (formerly Invitae), Labcorp
Classification: Uncertain significance for Brugada syndrome 8. Last evaluated: 2024-02-17. Review status: criteria provided, single submitter. Criteria: Invitae Variant Classification Sherloc (09022015). Collection method: clinical testing. Allele origin: germline.
Comment: This variant, c.3385_3402del, results in the deletion of 6 amino acid(s) of the HCN4 protein (p.Ser1129_Gly1134del), but otherwise preserves the integrity of the reading frame. This variant is present in population databases (rs772582176, gnomAD 0.004%). This variant has not been reported in the literature in individuals affected with HCN4-related conditions. ClinVar contains an entry for this variant (Variation ID: 1373695). Experimental studies and prediction algorithms are not available or were not evaluated, and the functional significance of this variant is currently unknown. In summary, the available evidence is currently insufficient to determine the role of this variant in disease. Therefore, it has been classified as a Variant of Uncertain Significance.